The following is an entry in ClinVar:

ClinVar aggregate classification (germline): Uncertain significance (1 of 4 stars; one submission).

Submission:

Labcorp Genetics (formerly Invitae), Labcorp
Classification: Uncertain significance. Last evaluated: 2025-01-27. Review status: criteria provided, single submitter. Criteria: Invitae Variant Classification Sherloc (09022015). Collection method: clinical testing. Allele origin: germline.
Comment: This variant, c.2373_2375del, results in the deletion of 1 amino acid(s) of the OCA2 protein (p.Val792del), but otherwise preserves the integrity of the reading frame. This variant is present in population databases (no rsID available, gnomAD 0.01%). This variant has been observed in individual(s) with oculocutaneous albinism (PMID: 31077556). Experimental studies and prediction algorithms are not available or were not evaluated, and the functional significance of this variant is currently unknown. In summary, the available evidence is currently insufficient to determine the role of this variant in disease. Therefore, it has been classified as a Variant of Uncertain Significance.

Literature cited by the submitters: PubMed 31077556.

NM_000275.3(OCA2):c.2370CGT[1] (p.Val792del)

Gene: OCA2 (OCA2 melanosomal transmembrane protein; minus strand). Cytogenetic location: 15q13.1.
Variant type: Microsatellite.
Coding change: c.2370CGT[1] on transcript NM_000275.3 (MANE Select); one copy of the 3-base unit CGT starting at c.2370; the reference has two copies in a row; one copy, 3 bases deleted.
Protein change: p.Val792del; deletes valine 792.
Molecular consequence: inframe deletion.
Genome position (GRCh38, 1-based): chr15:27,845,016-27,845,018, ACG deleted on the plus strand (CGT on the coding strand, the reverse complement: OCA2 is on the minus strand); deleting any 3 consecutive bases within chr15:27,845,016-27,845,021 gives the same sequence; the position shown is the placement nearest the transcript's 3' end. VCF-style (leftmost placement, unchanged base first): chr15-27845015-CACG-C. GRCh37 (hg19) VCF-style: chr15-28090161-CACG-C.
Other names: c.2298CGT[1], p.Val768del (NM_001300984.2); short protein forms V768del, V792del.
Identifiers: ClinVar variation 2137623 (VCV002137623.2), dbSNP rs1364525160, ClinGen allele CA616701043.